The following is an entry in ClinVar:

NM_001257180.2(SLC20A2):c.-264-2A>C

Gene: SLC20A2 (solute carrier family 20 member 2; minus strand). Cytogenetic location: 8p11.21.
Variant type: single nucleotide variant.
Coding change: c.-264-2A>C on transcript NM_001257180.2 (MANE Select); the canonical splice acceptor site of the intron before 264 bases upstream of the start codon, A replaced by C.
Molecular consequence: splice acceptor variant.
Genome position (GRCh38, 1-based): chr8:42,472,656, T>G on the plus strand (A>C on the coding strand, the complement: SLC20A2 is on the minus strand). VCF-style: chr8-42472656-T-G. GRCh37 (hg19) VCF-style: chr8-42330174-T-G.
Other names: c.-264-2A>C (NM_006749.5, NM_001257181.2).
Identifiers: ClinVar variation 4686842 (VCV004686842.1).

ClinVar aggregate classification (germline): Uncertain significance (1 of 4 stars; one submission).

Submission:

GeneDx
Classification: Uncertain significance. Last evaluated: 2025-07-23. Review status: criteria provided, single submitter. Criteria: GeneDx Variant Classification Process June 2021. Collection method: clinical testing. Allele origin: germline. Affected: yes.
Comment: Canonical splice site variant predicted to result in a null allele in a gene for which loss of function is a known mechanism of disease; Has not been previously published as pathogenic or benign to our knowledge